The following is an entry in ClinVar:

ClinVar aggregate classification (germline): Uncertain significance. Review status: criteria provided, multiple submitters, no conflicts (2 of 4 stars). 2 submissions from 2 submitters: Uncertain significance (2). Last evaluated 2023-04-20.

Conditions:
Inborn genetic diseases. Identifiers: MedGen C0950123, MeSH D030342.

Allele frequency attached by ClinVar (database versions not stated): gnomAD 0.00001.
gnomAD v4.1: 2 of 1,614,074 alleles (0.00012%); highest among the groups gnomAD compares: Non-Finnish European, 0.00017%; no homozygotes.

Submissions (2):

Ambry Genetics
Classification: Uncertain significance for Inborn genetic diseases. Last evaluated: 2023-04-20. Review status: criteria provided, single submitter. Criteria: Ambry Variant Classification Scheme 2023. Collection method: clinical testing. Allele origin: germline.

Labcorp Genetics (formerly Invitae), Labcorp
Classification: Uncertain significance. Last evaluated: 2021-04-06. Review status: criteria provided, single submitter. Criteria: Invitae Variant Classification Sherloc (09022015). Collection method: clinical testing. Allele origin: germline.
Comment: This variant has not been reported in the literature in individuals with NEUROD1-related conditions. Algorithms developed to predict the effect of missense changes on protein structure and function (SIFT, PolyPhen-2, Align-GVGD) all suggest that this variant is likely to be tolerated, but these predictions have not been confirmed by published functional studies and their clinical significance is uncertain. In summary, the available evidence is currently insufficient to determine the role of this variant in disease. Therefore, it has been classified as a Variant of Uncertain Significance. This sequence change replaces valine with isoleucine at codon 166 of the NEUROD1 protein (p.Val166Ile). The valine residue is highly conserved and there is a small physicochemical difference between valine and isoleucine. This variant is not present in population databases (ExAC no frequency).

NM_002500.5(NEUROD1):c.496G>A (p.Val166Ile)

Gene: NEUROD1 (neuronal differentiation 1; minus strand). Cytogenetic location: 2q31.3.
Variant type: single nucleotide variant.
Coding change: c.496G>A on transcript NM_002500.5 (MANE Select); coding-DNA position 496, G replaced by A.
Protein change: p.Val166Ile; replaces valine 166 with isoleucine.
Molecular consequence: missense variant.
Genome position (GRCh38, 1-based): chr2:181,678,365, C>T on the plus strand (G>A on the coding strand, the complement: NEUROD1 is on the minus strand). VCF-style: chr2-181678365-C-T. GRCh37 (hg19) VCF-style: chr2-182543092-C-T.
Other names: c.496G>A (NM_002500.3); short protein forms V166I.
Identifiers: ClinVar variation 1398519 (VCV001398519.9), dbSNP rs760018235, ClinGen allele CA349784833.